The following is an entry in ClinVar:

ClinVar aggregate classification (germline): Uncertain significance. Review status: criteria provided, multiple submitters, no conflicts (2 of 4 stars). 2 submissions from 2 submitters: Uncertain significance (2). Last evaluated 2026-09-01.

Conditions:
LOXHD1-related disorder. Also called: LOXHD1-related condition.

Allele frequency attached by ClinVar (database versions not stated): 1000 Genomes Project 30x 0.00031.
gnomAD v4.1: 72 of 1,551,990 alleles (0.0046%); highest among the groups gnomAD compares: Admixed American, 0.082%; no homozygotes.

Submissions (2):

PreventionGenetics, part of Exact Sciences
Classification: Uncertain significance for LOXHD1-related condition. Last evaluated: 2026-09-01. Review status: criteria provided, single submitter. Criteria: ACMG Guidelines, 2015. Collection method: clinical testing. Allele origin: germline.
Comment: The LOXHD1 c.3124G>A variant is predicted to result in the amino acid substitution p.Val1042Ile. To our knowledge, this variant has not been reported in the literature. This variant is reported in 0.11% of alleles in individuals of Latino descent in gnomAD. Although we suspect that this variant may be benign, at this time, the clinical significance of this variant is uncertain due to the absence of conclusive functional and genetic evidence.

Labcorp Genetics (formerly Invitae), Labcorp
Classification: Uncertain significance. Last evaluated: 2022-09-21. Review status: criteria provided, single submitter. Criteria: Invitae Variant Classification Sherloc (09022015). Collection method: clinical testing. Allele origin: germline.
Comment: This sequence change replaces valine, which is neutral and non-polar, with isoleucine, which is neutral and non-polar, at codon 1042 of the LOXHD1 protein (p.Val1042Ile). This variant is present in population databases (no rsID available, gnomAD 0.1%). This variant has not been reported in the literature in individuals affected with LOXHD1-related conditions. Algorithms developed to predict the effect of missense changes on protein structure and function are either unavailable or do not agree on the potential impact of this missense change (SIFT: "Deleterious"; PolyPhen-2: "Probably Damaging"; Align-GVGD: "Class C0"). In summary, the available evidence is currently insufficient to determine the role of this variant in disease. Therefore, it has been classified as a Variant of Uncertain Significance.

NM_001384474.1(LOXHD1):c.3124G>A (p.Val1042Ile)

Gene: LOXHD1 (lipoxygenase homology PLAT domains 1; minus strand). Cytogenetic location: 18q21.1.
Variant type: single nucleotide variant.
Coding change: c.3124G>A on transcript NM_001384474.1 (MANE Select); coding-DNA position 3124, G replaced by A.
Protein change: p.Val1042Ile; replaces valine 1042 with isoleucine.
Molecular consequence: missense variant.
Genome position (GRCh38, 1-based): chr18:46,559,540, C>T on the plus strand (G>A on the coding strand, the complement: LOXHD1 is on the minus strand). VCF-style: chr18-46559540-C-T. GRCh37 (hg19) VCF-style: chr18-44139503-C-T.
Other names: c.3124G>A, p.Val1042Ile (NM_144612.7); c.3124G>A (NM_144612.6); short protein forms V1042I.
Identifiers: ClinVar variation 2077780 (VCV002077780.2), dbSNP rs558768319, ClinGen allele CA299794028.